The following is an entry in ClinVar:

NM_001845.6(COL4A1):c.4998G>A (p.Met1666Ile)

Gene: COL4A1 (collagen type IV alpha 1 chain; minus strand). Cytogenetic location: 13q34.
Variant type: single nucleotide variant.
Coding change: c.4998G>A on transcript NM_001845.6 (MANE Select); coding-DNA position 4998, G replaced by A.
Protein change: p.Met1666Ile; replaces methionine 1666 with isoleucine.
Molecular consequence: missense variant.
Genome position (GRCh38, 1-based): chr13:110,150,375, C>T on the plus strand (G>A on the coding strand, the complement: COL4A1 is on the minus strand). VCF-style: chr13-110150375-C-T. GRCh37 (hg19) VCF-style: chr13-110802722-C-T.
Other names: short protein forms M1666I.
Identifiers: ClinVar variation 2140032 (VCV002140032.4), dbSNP rs750873209, ClinGen allele CA256238513.
Genomic context (GRCh38, chr13:110,150,375, plus strand): 5'-AGAAGAAGAAGTAGCACCATGTTGTGACATTAGCTGAGTCAGGCTTCATTATGTTCTTCT[C>T]ATACAGACTTGGCAGCGGCTGACGTGCGTGCGCAGCTCCCCTGCCTTCAAGGTGGACGGC-3'
Protein context (NP_001836.3, residues 1656-1669): RTHVSRCQVC[Met1666Ile]RRT

ClinVar aggregate classification (germline): Uncertain significance (1 of 4 stars; one submission).

Allele frequency attached by ClinVar (database versions not stated): gnomAD exomes below 0.00001; gnomAD 0.00001.

Submission:

Labcorp Genetics (formerly Invitae), Labcorp
Classification: Uncertain significance. Last evaluated: 2023-09-27. Review status: criteria provided, single submitter. Criteria: Invitae Variant Classification Sherloc (09022015). Collection method: clinical testing. Allele origin: germline.
Comment: This sequence change replaces methionine, which is neutral and non-polar, with isoleucine, which is neutral and non-polar, at codon 1666 of the COL4A1 protein (p.Met1666Ile). This variant is not present in population databases (gnomAD no frequency). This variant has not been reported in the literature in individuals affected with COL4A1-related conditions. ClinVar contains an entry for this variant (Variation ID: 2140032). Experimental studies and prediction algorithms are not available or were not evaluated, and the functional significance of this variant is currently unknown. In summary, the available evidence is currently insufficient to determine the role of this variant in disease. Therefore, it has been classified as a Variant of Uncertain Significance.